The following is an entry in ClinVar:

NM_001009944.3(PKD1):c.4321dup (p.Tyr1441fs)

Gene: PKD1 (polycystin 1, transient receptor potential channel interacting; minus strand). Cytogenetic location: 16p13.3.
Variant type: Duplication.
Coding change: c.4321dup on transcript NM_001009944.3 (MANE Select); coding-DNA position 4321, one base duplicated (T; older notation c.4321dupT).
Protein change: p.Tyr1441fs; shifts the reading frame from tyrosine 1441.
Molecular consequence: frameshift variant.
Genome position (GRCh38, 1-based): chr16:2,110,846, A duplicated on the plus strand (T on the coding strand, the reverse complement: PKD1 is on the minus strand). VCF-style (leftmost placement, unchanged base first): chr16-2110845-T-TA. GRCh37 (hg19) VCF-style: chr16-2160846-T-TA.
Other names: c.4321dup, p.Tyr1441fs (NM_000296.4); short protein forms Y1441fs.
Identifiers: ClinVar variation 3901224 (VCV003901224.1).
Genomic context (GRCh38, chr16:2,110,845, plus strand): 5'-TCCACCAGGGCTGAGTCATTGGCAGCAGAGATGTTGTTGGACGCGGTGACTGTCACAAGA[T>TA]AGGAGCCTGGGTCTCGGTAGATGAACGTCACCTCAGGGCCCCTGGCACGGGTGGGGGCGG-3'

ClinVar aggregate classification (germline): Likely pathogenic (1 of 4 stars; one submission).

Conditions:
Polycystic kidney disease, adult type (PKD1). Also called: Polycystic Kidney Disease 1, Autosomal Dominant; Polycystic kidney disease 1; Polycystic kidney disease 1, severe; Polycystic Kidney, Autosomal Dominant; POLYCYSTIC KIDNEY DISEASE 1 WITH OR WITHOUT POLYCYSTIC LIVER DISEASE; POLYCYSTIC KIDNEY DISEASE, ADULT, TYPE I. Identifiers: MedGen C3149841, MONDO:0008263, OMIM 173900.

Submission:

Kasturba Medical College, Manipal, Kasturba Medical College, Manipal, Manipal Academy of Higher Education, Manipal, India
Classification: Likely pathogenic for Polycystic kidney disease, adult type. Review status: criteria provided, single submitter. Criteria: ACMG Guidelines, 2015. Collection method: research. Allele origin: germline. Inheritance: Autosomal dominant inheritance. Affected: yes. Observed: 1 heterozygote.
Comment: The variant is absent in homozygous and/or heterozygous state in gnomAD (v4.1.0) and in our in-house database of 3527 exomes. This variant is likely to result in a shift in the reading frame of the transcript which introduces a premature termination codon. This may either lead to the formation of the truncated protein or cause the transcript to undergo nonsense mediated mRNA decay.